The following is an entry in ClinVar:

NM_000179.3(MSH6):c.74C>A (p.Ala25Asp)

Gene: MSH6 (mutS homolog 6; plus strand). Cytogenetic location: 2p16.3.
Variant type: single nucleotide variant.
Coding change: c.74C>A on transcript NM_000179.3 (MANE Select); coding-DNA position 74, C replaced by A.
Protein change: p.Ala25Asp; replaces alanine 25 with aspartic acid.
Molecular consequence: missense variant. On other transcripts: 5 prime UTR variant (1).
Genome position (GRCh38, 1-based): chr2:47,783,307, C>A. VCF-style: chr2-47783307-C-A. GRCh37 (hg19) VCF-style: chr2-48010446-C-A.
Other names: c.74C>A, p.Ala25Asp (NM_001281492.2, NM_001406795.1, NM_001406796.1 and 9 more transcripts); c.-663C>A (NM_001281493.2, NM_001406811.1); c.-255C>A (NM_001406799.1); c.19C>A, p.Pro7Thr (NM_001406804.1); c.-855C>A (NM_001406807.1); c.-510C>A (NM_001406812.1); c.-921C>A (NM_001406814.1); c.-466C>A (NM_001406816.1); short protein forms A25D, P7T.
Identifiers: ClinVar variation 2104077 (VCV002104077.4), dbSNP rs35462442, ClinGen allele CA346734789.

ClinVar aggregate classification (germline): Uncertain significance (1 of 4 stars; one submission).

Conditions:
Hereditary nonpolyposis colorectal neoplasms. Identifiers: MedGen C0009405, MeSH D003123.

Submission:

Labcorp Genetics (formerly Invitae), Labcorp
Classification: Uncertain significance for Hereditary nonpolyposis colorectal neoplasms. Last evaluated: 2024-01-08. Review status: criteria provided, single submitter. Criteria: Invitae Variant Classification Sherloc (09022015). Collection method: clinical testing. Allele origin: germline.
Comment: This sequence change replaces alanine, which is neutral and non-polar, with aspartic acid, which is acidic and polar, at codon 25 of the MSH6 protein (p.Ala25Asp). This variant is not present in population databases (gnomAD no frequency). This variant has not been reported in the literature in individuals affected with MSH6-related conditions. ClinVar contains an entry for this variant (Variation ID: 2104077). Advanced modeling of protein sequence and biophysical properties (such as structural, functional, and spatial information, amino acid conservation, physicochemical variation, residue mobility, and thermodynamic stability) performed at Invitae indicates that this missense variant is not expected to disrupt MSH6 protein function with a negative predictive value of 95%. In summary, the available evidence is currently insufficient to determine the role of this variant in disease. Therefore, it has been classified as a Variant of Uncertain Significance.